The following is an entry in ClinVar:

NM_198963.3(DHX57):c.212G>A (p.Arg71Lys)

Gene: DHX57 (DExH-box helicase 57; minus strand). Cytogenetic location: 2p22.1.
Variant type: single nucleotide variant.
Coding change: c.212G>A on transcript NM_198963.3 (MANE Select); coding-DNA position 212, G replaced by A.
Protein change: p.Arg71Lys; replaces arginine 71 with lysine.
Molecular consequence: missense variant. On other transcripts: intron variant (1).
Genome position (GRCh38, 1-based): chr2:38,868,194, C>T on the plus strand (G>A on the coding strand, the complement: DHX57 is on the minus strand). VCF-style: chr2-38868194-C-T. GRCh37 (hg19) VCF-style: chr2-39095336-C-T.
Other names: c.-83+121G>A (NM_001329963.1); c.212G>A (NM_198963.1); short protein forms R71K.
Identifiers: ClinVar variation 3038695 (VCV003038695.3), dbSNP rs149091784, ClinGen allele CA1623683.

ClinVar aggregate classification (germline): Uncertain significance. Review status: criteria provided, single submitter (1 of 4 stars). 2 submissions from 2 submitters: Uncertain significance (1). 1 of the submissions does not count toward it. Last evaluated 2025-08-12.

Conditions:
DHX57-related disorder. Also called: DHX57-related condition.

Allele frequency attached by ClinVar (database versions not stated): gnomAD exomes 0.00025; ExAC 0.00058; 1000 Genomes Project 30x 0.00109; 1000 Genomes Project 0.00120; ESP Exome Variant Server 0.00161; TOPMed 0.00164; gnomAD 0.00170.
gnomAD v4.1: 638 of 1,613,946 alleles (0.04%); highest among the groups gnomAD compares: African/African-American, 0.48%; 1 homozygote.

Submissions (2):

Ambry Genetics
Classification: Uncertain significance. Last evaluated: 2025-08-12. Review status: criteria provided, single submitter. Criteria: Ambry Variant Classification Scheme 2023. Collection method: clinical testing. Allele origin: germline.

PreventionGenetics, part of Exact Sciences
Classification: Likely benign for DHX57-related condition. Last evaluated: 2021-07-15. Review status: no assertion criteria provided. Collection method: clinical testing. Allele origin: germline. Not counted in ClinVar's aggregate classification.
Comment: This variant is classified as likely benign based on ACMG/AMP sequence variant interpretation guidelines (Richards et al. 2015 PMID: 25741868, with internal and published modifications).